The following is an entry in ClinVar:

ClinVar aggregate classification (germline): Likely benign. Review status: criteria provided, single submitter (1 of 4 stars). 2 submissions from 2 submitters: Likely benign (1). 1 of the submissions does not count toward it. Last evaluated 2022-12-01.

Conditions:
TRIO-related disorder. Also called: TRIO-related condition; TRIO-related disorders.

Allele frequency attached by ClinVar (database versions not stated): ExAC 0.00004; gnomAD exomes 0.00005; gnomAD 0.00007; TOPMed 0.00007; ESP Exome Variant Server 0.00008.
gnomAD v4.1: 90 of 1,614,104 alleles (0.0056%); highest among the groups gnomAD compares: South Asian, 0.03%; no homozygotes.

Submissions (2):

CeGaT Center for Human Genetics Tuebingen
Classification: Likely benign. Last evaluated: 2022-12-01. Review status: criteria provided, single submitter. Criteria: CeGaT Center For Human Genetics Tuebingen Variant Classification Criteria Version 2. Collection method: clinical testing. Allele origin: germline. Affected: yes. Observed: 1 variant allele.
Comment: TRIO: BP4, BP7

PreventionGenetics, part of Exact Sciences
Classification: Likely benign for TRIO-related condition. Last evaluated: 2020-05-21. Review status: no assertion criteria provided. Collection method: clinical testing. Allele origin: germline. Not counted in ClinVar's aggregate classification.
Comment: This variant is classified as likely benign based on ACMG/AMP sequence variant interpretation guidelines (Richards et al. 2015 PMID: 25741868, with internal and published modifications).

NM_007118.4(TRIO):c.8949C>T (p.Tyr2983=)

Gene: TRIO (trio Rho guanine nucleotide exchange factor; plus strand). Cytogenetic location: 5p15.2.
Variant type: single nucleotide variant.
Coding change: c.8949C>T on transcript NM_007118.4 (MANE Select); coding-DNA position 8949, C replaced by T.
Protein change: p.Tyr2983=; no amino-acid change (tyrosine 2983 retained).
Molecular consequence: synonymous variant. On other transcripts: non-coding transcript variant (1).
Genome position (GRCh38, 1-based): chr5:14,508,077, C>T. VCF-style: chr5-14508077-C-T. GRCh37 (hg19) VCF-style: chr5-14508186-C-T.
Other names: c.8949C>T (NM_007118.3).
Identifiers: ClinVar variation 2655361 (VCV002655361.25), dbSNP rs199903389, ClinGen allele CA3208016.
Genomic context (GRCh38, chr5:14,508,077, plus strand): 5'-CATCCTCGGGAACCCTGTCTCCCTGACCTCGGATACGTGGAGTGTTGGAGTGCTCACATA[C>T]GTACTTCTTAGTGGCGTGTCCCCCTTCCTGGATGACAGTGTGGAAGAGACCTGCCTGAAC-3'
Protein context (NP_009049.2, residues 2973-2993): SDTWSVGVLT[Tyr2983=]VLLSGVSPFL